The following is an entry in ClinVar:

ClinVar aggregate classification (germline): Pathogenic (1 of 4 stars; one submission).

Allele frequency attached by ClinVar (database versions not stated): gnomAD exomes below 0.00001.
gnomAD v4.1: 1 of 1,613,398 alleles (0.000062%); highest among the groups gnomAD compares: Non-Finnish European, 0.000085%; no homozygotes.

Submission:

CeGaT Center for Human Genetics Tuebingen
Classification: Pathogenic. Last evaluated: 2023-02-01. Review status: criteria provided, single submitter. Criteria: CeGaT Center For Human Genetics Tuebingen Variant Classification Criteria Version 2. Collection method: clinical testing. Allele origin: germline. Affected: yes. Observed: 1 variant allele.
Comment: NUP188: PVS1, PM2

NM_015354.3(NUP188):c.124C>T (p.Arg42Ter)

Gene: NUP188 (nucleoporin 188; plus strand). Cytogenetic location: 9q34.11.
Variant type: single nucleotide variant.
Coding change: c.124C>T on transcript NM_015354.3 (MANE Select); coding-DNA position 124, C replaced by T.
Protein change: p.Arg42Ter; replaces arginine 42 with a stop codon.
Molecular consequence: nonsense.
Genome position (GRCh38, 1-based): chr9:128,952,809, C>T. VCF-style: chr9-128952809-C-T. GRCh37 (hg19) VCF-style: chr9-131715088-C-T.
Other names: short protein forms R42*.
Identifiers: ClinVar variation 2659550 (VCV002659550.24), dbSNP rs1366326755, ClinGen allele CA375131743.